The following is an entry in ClinVar:

ClinVar aggregate classification (germline): Conflicting classifications of pathogenicity. Review status: criteria provided, conflicting classifications (1 of 4 stars). 3 submissions from 3 submitters: Uncertain significance (2); Likely benign (1). Last evaluated 2026-03-19.

Conditions:
WFS1-related disorder. Identifiers: MedGen CN379391, MONDO:0700293.

Allele frequency attached by ClinVar (database versions not stated): ESP Exome Variant Server 0.00008.
gnomAD v4.1: 88 of 1,613,798 alleles (0.0055%); highest among the groups gnomAD compares: Non-Finnish European, 0.0065%; no homozygotes.

Submissions (3):

PreventionGenetics, part of Exact Sciences
Classification: Uncertain significance for WFS1-related condition. Last evaluated: 2026-03-19. Review status: criteria provided, single submitter. Criteria: ACMG Guidelines, 2015. Collection method: clinical testing. Allele origin: germline.
Comment: The WFS1 c.996C>A variant is not predicted to result in an amino acid change (p.=). This variant is predicted to create a cryptic splice acceptor site (SpliceAI, Jaganathan et al. 2019. PubMed ID: 30661751). To our knowledge, this variant has not been reported in the literature. This variant is reported in 0.011% of alleles in individuals of European (Non-Finnish) descent in gnomAD. At this time, the clinical significance of this variant is uncertain due to the absence of conclusive functional and genetic evidence.

Blueprint Genetics
Classification: Likely benign. Last evaluated: 2024-09-20. Review status: criteria provided, single submitter. Criteria: ACMG Guidelines, 2015. Collection method: clinical testing. Allele origin: germline.

GeneDx
Classification: Uncertain significance. Last evaluated: 2023-11-13. Review status: criteria provided, single submitter. Criteria: GeneDx Variant Classification Process June 2021. Collection method: clinical testing. Allele origin: germline. Affected: yes.
Comment: Has not been previously published as pathogenic or benign to our knowledge; In silico analysis suggests this variant may impact gene splicing. In the absence of RNA/functional studies, the actual effect of this sequence change is unknown

NM_006005.3(WFS1):c.996C>A (p.Ile332=)

Gene: WFS1 (wolframin ER transmembrane glycoprotein; plus strand). Cytogenetic location: 4p16.1.
Variant type: single nucleotide variant.
Coding change: c.996C>A on transcript NM_006005.3 (MANE Select); coding-DNA position 996, C replaced by A.
Protein change: p.Ile332=; no amino-acid change (isoleucine 332 retained).
Molecular consequence: synonymous variant.
Genome position (GRCh38, 1-based): chr4:6,300,791, C>A. VCF-style: chr4-6300791-C-A. GRCh37 (hg19) VCF-style: chr4-6302518-C-A.
Other names: c.996C>A, p.Ile332= (NM_001145853.1).
Identifiers: ClinVar variation 1806801 (VCV001806801.4), dbSNP rs138674328, ClinGen allele CA2839187.
Genomic context (GRCh38, chr4:6,300,791, plus strand): 5'-GCACTGGCTGTCCACCATCATCCCCACGCACCACATCAACGCGCTCATCTTCTTCTTCAT[C>A]GTCAGCAACCTCACCATCGACTTCTTCGCCTTCTTCATCCCGCTGGTCATCTTCTACCTG-3'
Protein context (NP_005996.2, residues 322-342): HHINALIFFF[Ile332=]VSNLTIDFFA